The following is an entry in ClinVar:

NM_001040108.2(MLH3):c.1894A>G (p.Arg632Gly)

Gene: MLH3 (mutL homolog 3; minus strand). Cytogenetic location: 14q24.3.
Variant type: single nucleotide variant.
Coding change: c.1894A>G on transcript NM_001040108.2 (MANE Select); coding-DNA position 1894, A replaced by G.
Protein change: p.Arg632Gly; replaces arginine 632 with glycine.
Molecular consequence: missense variant.
Genome position (GRCh38, 1-based): chr14:75,047,762, T>C on the plus strand (A>G on the coding strand, the complement: MLH3 is on the minus strand). VCF-style: chr14-75047762-T-C. GRCh37 (hg19) VCF-style: chr14-75514465-T-C.
Other names: c.1894A>G, p.Arg632Gly (NM_014381.3); short protein forms R632G.
Identifiers: ClinVar variation 2625634 (VCV002625634.2), dbSNP rs2503283751, ClinGen allele CA390443882.

ClinVar aggregate classification (germline): Uncertain significance (1 of 4 stars; one submission).

Submission:

Ambry Genetics
Classification: Uncertain significance. Last evaluated: 2023-06-18. Review status: criteria provided, single submitter. Criteria: Ambry Variant Classification Scheme 2023. Collection method: clinical testing. Allele origin: germline.
Comment: The p.R632G variant (also known as c.1894A>G), located in coding exon 1 of the MLH3 gene, results from an A to G substitution at nucleotide position 1894. The arginine at codon 632 is replaced by glycine, an amino acid with dissimilar properties. This amino acid position is conserved. In addition, this alteration is predicted to be tolerated by in silico analysis. Since supporting evidence is limited at this time, the clinical significance of this alteration remains unclear.